The following is an entry in ClinVar:

ClinVar aggregate classification (germline): Uncertain significance (1 of 4 stars; one submission).

Conditions:
Cardiomyopathy (CMYO). Also called: Cardiomyopathies. Identifiers: Orphanet 167848, MedGen C0878544, MONDO:0004994, HP:0001638. Inheritance: Various modes of inheritance.

Submission:

Color Diagnostics, LLC DBA Color Health
Classification: Uncertain significance for Cardiomyopathy. Last evaluated: 2023-01-09. Review status: criteria provided, single submitter. Criteria: ACMG Guidelines, 2015. Collection method: clinical testing. Allele origin: germline.
Comment: This missense variant replaces leucine with isoleucine at codon 4633 of the RYR2 protein. Computational prediction is inconclusive regarding the impact of this variant on protein structure and function (internally defined REVEL score threshold 0.5 < inconclusive < 0.7, PMID: 27666373). To our knowledge, functional studies have not been reported for this variant. This variant has not been reported in individuals affected with RYR2-related disorders in the literature. This variant has not been identified in the general population by the Genome Aggregation Database (gnomAD). The available evidence is insufficient to determine the role of this variant in disease conclusively. Therefore, this variant is classified as a Variant of Uncertain Significance.

NM_001035.3(RYR2):c.13897C>A (p.Leu4633Ile)

Gene: RYR2 (ryanodine receptor 2; plus strand). Cytogenetic location: 1q43.
Variant type: single nucleotide variant.
Coding change: c.13897C>A on transcript NM_001035.3 (MANE Select); coding-DNA position 13897, C replaced by A.
Protein change: p.Leu4633Ile; replaces leucine 4633 with isoleucine.
Molecular consequence: missense variant.
Genome position (GRCh38, 1-based): chr1:237,793,981, C>A. VCF-style: chr1-237793981-C-A. GRCh37 (hg19) VCF-style: chr1-237957281-C-A.
Other names: short protein forms L4633I.
Identifiers: ClinVar variation 2774418 (VCV002774418.2), dbSNP rs1484013155, ClinGen allele CA345418394.